The following is an entry in ClinVar:

ClinVar aggregate classification (germline): Uncertain significance. Review status: criteria provided, multiple submitters, no conflicts (2 of 4 stars). 2 submissions from 2 submitters: Uncertain significance (2). Last evaluated 2025-03-05.

Submissions (2):

GeneDx
Classification: Uncertain significance. Last evaluated: 2025-03-05. Review status: criteria provided, single submitter. Criteria: GeneDx Variant Classification Process June 2021. Collection method: clinical testing. Allele origin: germline. Affected: yes.
Comment: Not observed at significant frequency in large population cohorts (gnomAD); In silico analysis supports that this missense variant has a deleterious effect on protein structure/function; Has not been previously published as pathogenic or benign to our knowledge

Mayo Clinic Laboratories, Mayo Clinic
Classification: Uncertain significance. Last evaluated: 2024-04-03. Review status: criteria provided, single submitter. Criteria: ACMG Guidelines, 2015. Collection method: clinical testing. Allele origin: germline. Observed: 1 variant allele.
Comment: PP3, PM2

NM_000540.3(RYR1):c.5093A>C (p.Glu1698Ala)

Gene: RYR1 (ryanodine receptor 1; plus strand). Cytogenetic location: 19q13.2.
Variant type: single nucleotide variant.
Coding change: c.5093A>C on transcript NM_000540.3 (MANE Select); coding-DNA position 5093, A replaced by C.
Protein change: p.Glu1698Ala; replaces glutamic acid 1698 with alanine.
Molecular consequence: missense variant.
Genome position (GRCh38, 1-based): chr19:38,485,748, A>C. VCF-style: chr19-38485748-A-C. GRCh37 (hg19) VCF-style: chr19-38976388-A-C.
Other names: p.Glu1698Ala; c.5093A>C, p.Glu1698Ala (NM_001042723.2); short protein forms E1698A.
Identifiers: ClinVar variation 3380613 (VCV003380613.2).